The following is an entry in ClinVar:

NM_000393.5(COL5A2):c.3230G>A (p.Gly1077Asp)

Gene: COL5A2 (collagen type V alpha 2 chain; minus strand). Cytogenetic location: 2q32.2.
Variant type: single nucleotide variant.
Coding change: c.3230G>A on transcript NM_000393.5 (MANE Select); coding-DNA position 3230, G replaced by A.
Protein change: p.Gly1077Asp; replaces glycine 1077 with aspartic acid.
Molecular consequence: missense variant.
Genome position (GRCh38, 1-based): chr2:189,045,879, C>T on the plus strand (G>A on the coding strand, the complement: COL5A2 is on the minus strand). VCF-style: chr2-189045879-C-T. GRCh37 (hg19) VCF-style: chr2-189910605-C-T.
Other names: short protein forms G1077D.
Identifiers: ClinVar variation 2724909 (VCV002724909.3), dbSNP rs1685656634, ClinGen allele CA349862703.

ClinVar aggregate classification (germline): Uncertain significance (1 of 4 stars; one submission).

Conditions:
Ehlers-Danlos syndrome, classic type, 1 (EDSCL1). Also called: EHLERS-DANLOS SYNDROME, GRAVIS TYPE; EHLERS-DANLOS SYNDROME, SEVERE CLASSIC TYPE; Ehlers-Danlos syndrome, type 1; Ehlers-Danlos Syndrome, Classic Type, COL5A1-Related; EDS I. Identifiers: MedGen C0268335, MONDO:0019567, OMIM 130000.

Allele frequency attached by ClinVar (database versions not stated): TOPMed 0.00002; gnomAD 0.00001.
gnomAD v4.1: 3 of 1,614,048 alleles (0.00019%); no homozygotes.

Submission:

Labcorp Genetics (formerly Invitae), Labcorp
Classification: Uncertain significance for Ehlers-Danlos syndrome, classic type, 1. Last evaluated: 2024-02-17. Review status: criteria provided, single submitter. Criteria: Invitae Variant Classification Sherloc (09022015). Collection method: clinical testing. Allele origin: germline.
Comment: This sequence change replaces glycine, which is neutral and non-polar, with aspartic acid, which is acidic and polar, at codon 1077 of the COL5A2 protein (p.Gly1077Asp). This variant is not present in population databases (gnomAD no frequency). This variant has not been reported in the literature in individuals affected with COL5A2-related conditions. Advanced modeling of protein sequence and biophysical properties (such as structural, functional, and spatial information, amino acid conservation, physicochemical variation, residue mobility, and thermodynamic stability) performed at Invitae indicates that this missense variant is expected to disrupt COL5A2 protein function with a positive predictive value of 80%. In summary, the available evidence is currently insufficient to determine the role of this variant in disease. Therefore, it has been classified as a Variant of Uncertain Significance.